The following is an entry in ClinVar:

ClinVar aggregate classification (germline): Uncertain significance (1 of 4 stars; one submission).

Conditions:
Nephrolithiasis/nephrocalcinosis. Identifiers: MedGen CN580796.

Submission:

Ambry Genetics
Classification: Uncertain significance for Nephrolithiasis/nephrocalcinosis. Last evaluated: 2024-03-28. Review status: criteria provided, single submitter. Criteria: Ambry Variant Classification Scheme 2023. Collection method: clinical testing. Allele origin: germline.
Comment: The p.I267T variant (also known as c.800T>C), located in coding exon 3 of the CASR gene, results from a T to C substitution at nucleotide position 800. The isoleucine at codon 267 is replaced by threonine, an amino acid with similar properties. This amino acid position is highly conserved in available vertebrate species. In addition, this alteration is predicted to be deleterious by in silico analysis. In addition, the evidence for the gene-disease relationship is limited for pancreatitis and cancer predisposition; therefore, the clinical significance of this variant for CASR-related pancreatitis and cancer predisposition is unclear. Based on the available evidence, the clinical significance of this alteration remains unclear.

NM_000388.4(CASR):c.800T>C (p.Ile267Thr)

Gene: CASR (calcium sensing receptor; plus strand). Cytogenetic location: 3q21.1.
Variant type: single nucleotide variant.
Coding change: c.800T>C on transcript NM_000388.4 (MANE Select); coding-DNA position 800, T replaced by C.
Protein change: p.Ile267Thr; replaces isoleucine 267 with threonine.
Molecular consequence: missense variant.
Genome position (GRCh38, 1-based): chr3:122,261,835, T>C. VCF-style: chr3-122261835-T-C. GRCh37 (hg19) VCF-style: chr3-121980682-T-C.
Other names: c.800T>C, p.Ile267Thr (NM_001178065.2); short protein forms I267T.
Identifiers: ClinVar variation 3263481 (VCV003263481.1).
Genomic context (GRCh38, chr3:122,261,835, plus strand): 5'-CTGATGAGGAAGAGATCCAGCATGTGGTAGAGGTGATTCAAAATTCCACGGCCAAAGTCA[T>C]CGTGGTTTTCTCCAGTGGCCCAGATCTTGAGCCCCTCATCAAGGAGATTGTCCGGCGCAA-3'
Protein context (NP_000379.3, residues 257-277): EVIQNSTAKV[Ile267Thr]VVFSSGPDLE